The following is an entry in ClinVar:

NM_001023.4(RPS20):c.264C>T (p.Leu88=)

Gene: RPS20 (ribosomal protein S20; minus strand). Cytogenetic location: 8q12.1.
Variant type: single nucleotide variant.
Coding change: c.264C>T on transcript NM_001023.4 (MANE Select); coding-DNA position 264, C replaced by T.
Protein change: p.Leu88=; no amino-acid change (leucine 88 retained).
Molecular consequence: synonymous variant.
Genome position (GRCh38, 1-based): chr8:56,073,186, G>A on the plus strand (C>T on the coding strand, the complement: RPS20 is on the minus strand). VCF-style: chr8-56073186-G-A. GRCh37 (hg19) VCF-style: chr8-56985745-G-A.
Other names: c.264C>T, p.Leu88= (NM_001146227.3).
Identifiers: ClinVar variation 4579504 (VCV004579504.2).
Genomic context (GRCh38, chr8:56,073,186, plus strand): 5'-TGGCTCAATACTGATGGAAGTAATCTGCTTAACAATCTCAGAAGGACTGTGCAAGTCAAT[G>A]AGTCGCTTGTGAATTCTCATCTGGAAACGATCCCACGTCTTAGAACCTTCACCACAAGGA-3'
Protein context (NP_001014.1, residues 78-98): DRFQMRIHKR[Leu88=]IDLHSPSEIV

ClinVar aggregate classification (germline): Benign/Likely benign. Review status: criteria provided, multiple submitters, no conflicts (2 of 4 stars). 2 submissions from 2 submitters: Benign (1); Likely benign (1). Last evaluated 2026-08-04.

Conditions:
Familial colorectal cancer type X. Identifiers: Orphanet 440437, MedGen C3896578, MONDO:0018604.

Submissions (2):

Myriad Genetics, Inc.
Classification: Benign for Familial colorectal cancer type X. Last evaluated: 2026-08-04. Review status: criteria provided, single submitter. Criteria: Myriad Autosomal Dominant, Autosomal Recessive and X-Linked Classification Criteria (2023). Collection method: clinical testing. Allele origin: unknown.
Comment: This variant is considered benign. This variant is a silent/synonymous amino acid change and it is not expected to impact splicing.

Ambry Genetics
Classification: Likely benign. Last evaluated: 2025-11-27. Review status: criteria provided, single submitter. Criteria: Ambry Variant Classification Scheme 2023. Collection method: clinical testing. Allele origin: germline.